The following is an entry in ClinVar:

ClinVar aggregate classification (germline): Uncertain significance (1 of 4 stars; one submission).

Submission:

Labcorp Genetics (formerly Invitae), Labcorp
Classification: Uncertain significance. Last evaluated: 2023-07-17. Review status: criteria provided, single submitter. Criteria: Invitae Variant Classification Sherloc (09022015). Collection method: clinical testing. Allele origin: germline.
Comment: In summary, the available evidence is currently insufficient to determine the role of this variant in disease. Therefore, it has been classified as a Variant of Uncertain Significance. This variant has not been reported in the literature in individuals affected with CRYM-related conditions. This variant is a gross deletion of the genomic region encompassing exon(s) 6-10 of the CRYM gene, which includes the termination codon. This deletion extends beyond the assayed region for this gene and therefore may encompass additional genes. While this deletion is not anticipated to lead to nonsense mediated decay, it is expected to alter mRNA translation or result in a truncated protein product.

NC_000016.9:g.(?_21270102)_(21281232_?)del

Gene: CRYM (crystallin mu; minus strand). Cytogenetic location: 16p12.2.
Variant type: Deletion.
Identifiers: ClinVar variation 1359848 (VCV001359848.4).